The following is an entry in ClinVar:

ClinVar aggregate classification (germline): Uncertain significance (1 of 4 stars; one submission).

Conditions:
Nemaline myopathy 2 (NEM2). Also called: Nemaline myopathy 2, autosomal recessive. Identifiers: MedGen C1850569, MONDO:0009725, OMIM 256030.

Submission:

Labcorp Genetics (formerly Invitae), Labcorp
Classification: Uncertain significance for Nemaline myopathy 2. Last evaluated: 2022-08-31. Review status: criteria provided, single submitter. Criteria: Invitae Variant Classification Sherloc (09022015). Collection method: clinical testing. Allele origin: germline.
Comment: This sequence change replaces lysine, which is basic and polar, with arginine, which is basic and polar, at codon 7071 of the NEB protein (p.Lys7071Arg). This variant is not present in population databases (gnomAD no frequency). This variant has not been reported in the literature in individuals affected with NEB-related conditions. ClinVar contains an entry for this variant (Variation ID: 954452). Algorithms developed to predict the effect of missense changes on protein structure and function are either unavailable or do not agree on the potential impact of this missense change (SIFT: "Deleterious"; PolyPhen-2: "Not Available"; Align-GVGD: "Class C0"). Algorithms developed to predict the effect of sequence changes on RNA splicing suggest that this variant may create or strengthen a splice site. In summary, the available evidence is currently insufficient to determine the role of this variant in disease. Therefore, it has been classified as a Variant of Uncertain Significance.

NM_001164508.2(NEB):c.21212A>G (p.Lys7071Arg)

Gene: NEB (nebulin; minus strand). Cytogenetic location: 2q23.3.
Variant type: single nucleotide variant.
Coding change: c.21212A>G on transcript NM_001164508.2 (MANE Select); coding-DNA position 21212, A replaced by G.
Protein change: p.Lys7071Arg; replaces lysine 7071 with arginine.
Molecular consequence: missense variant.
Genome position (GRCh38, 1-based): chr2:151,535,791, T>C on the plus strand (A>G on the coding strand, the complement: NEB is on the minus strand). VCF-style: chr2-151535791-T-C. GRCh37 (hg19) VCF-style: chr2-152392305-T-C.
Other names: c.21212A>G, p.Lys7071Arg (NM_001164507.2, NM_001271208.2); c.16109A>G, p.Lys5370Arg (NM_004543.5); short protein forms K5370R, K7071R.
Identifiers: ClinVar variation 954452 (VCV000954452.7), dbSNP rs2093050726, ClinGen allele CA348773224.
Genomic context (GRCh38, chr2:151,535,791, plus strand): 5'-ATCGGAGAGTCGGCAACATACTTGAAATCTGACTTTGTCCTTTCAAATACTTCTTTATAC[T>C]TATACTAGAAAAAACAGAACATGGTTACTTGACAGCAGGCTATGATTATCTTAAGAATGA-3'
Protein context (NP_001157980.2, residues 7061-7081): EKNKTLYSKY[Lys7071Arg]YKEVFERTKS